The following is an entry in ClinVar:

ClinVar aggregate classification (germline): Likely benign (0 of 4 stars; one submission).

Conditions:
CD93-related disorder. Also called: CD93-related condition.

Allele frequency attached by ClinVar (database versions not stated): ExAC 0.00002; TOPMed 0.00003.
gnomAD v4.1: 9 of 1,603,172 alleles (0.00056%); highest among the groups gnomAD compares: Admixed American, 0.005%; no homozygotes.

Submission:

PreventionGenetics, part of Exact Sciences
Classification: Likely benign for CD93-related condition. Last evaluated: 2023-12-11. Review status: no assertion criteria provided. Collection method: clinical testing. Allele origin: germline.
Comment: This variant is classified as likely benign based on ACMG/AMP sequence variant interpretation guidelines (Richards et al. 2015 PMID: 25741868, with internal and published modifications).

NM_012072.4(CD93):c.123G>A (p.Ser41=)

Gene: CD93 (CD93 molecule; minus strand). Cytogenetic location: 20p11.21.
Variant type: single nucleotide variant.
Coding change: c.123G>A on transcript NM_012072.4 (MANE Select); coding-DNA position 123, G replaced by A.
Protein change: p.Ser41=; no amino-acid change (serine 41 retained).
Molecular consequence: synonymous variant.
Genome position (GRCh38, 1-based): chr20:23,086,070, C>T on the plus strand (G>A on the coding strand, the complement: CD93 is on the minus strand). VCF-style: chr20-23086070-C-T. GRCh37 (hg19) VCF-style: chr20-23066707-C-T.
Identifiers: ClinVar variation 3029079 (VCV003029079.2), dbSNP rs760796891, ClinGen allele CA9788333.